The following is an entry in ClinVar:

NM_000069.3(CACNA1S):c.4660C>A (p.Gln1554Lys)

Gene: CACNA1S (calcium voltage-gated channel subunit alpha1 S; minus strand). Cytogenetic location: 1q32.1.
Variant type: single nucleotide variant.
Coding change: c.4660C>A on transcript NM_000069.3 (MANE Select); coding-DNA position 4660, C replaced by A.
Protein change: p.Gln1554Lys; replaces glutamine 1554 with lysine.
Molecular consequence: missense variant.
Genome position (GRCh38, 1-based): chr1:201,047,123, G>T on the plus strand (C>A on the coding strand, the complement: CACNA1S is on the minus strand). VCF-style: chr1-201047123-G-T. GRCh37 (hg19) VCF-style: chr1-201016251-G-T.
Other names: short protein forms Q1554K.
Identifiers: ClinVar variation 840723 (VCV000840723.11), dbSNP rs1660496585, ClinGen allele CA344141609.

ClinVar aggregate classification (germline): Uncertain significance. Review status: criteria provided, multiple submitters, no conflicts (2 of 4 stars). 2 submissions from 2 submitters: Uncertain significance (2). Last evaluated 2026-07-07.

Conditions:
Hypokalemic periodic paralysis, type 1. Also called: HypoPP; Hypokalemic Periodic Paralysis Type 1 (AD). Identifiers: Orphanet 681, MedGen C3714580, MONDO:0042979, OMIM 170400.
Malignant hyperthermia, susceptibility to, 5 (MHS5). Also called: CACNA1S-Related Malignant Hyperthermia Susceptibility. Identifiers: Orphanet 423, MedGen C1866077, MONDO:0011163, OMIM 601887.
Inborn genetic diseases. Identifiers: MedGen C0950123, MeSH D030342.

Allele frequency attached by ClinVar (database versions not stated): gnomAD exomes below 0.00001.
gnomAD v4.1: 4 of 1,614,210 alleles (0.00025%); highest among the groups gnomAD compares: Non-Finnish European, 0.00034%; no homozygotes.

Submissions (2):

Ambry Genetics
Classification: Uncertain significance for Inborn genetic diseases. Last evaluated: 2026-07-07. Review status: criteria provided, single submitter. Criteria: Ambry Variant Classification Scheme 2023. Collection method: clinical testing. Allele origin: germline.
Comment: The p.Q1554K variant (also known as c.4660C>A), located in coding exon 38 of the CACNA1S gene, results from a C to A substitution at nucleotide position 4660. The glutamine at codon 1554 is replaced by lysine, an amino acid with similar properties. This amino acid position is conserved. In addition, the in silico prediction for this alteration is inconclusive. Based on the available evidence, the clinical significance of this variant remains unclear.

Labcorp Genetics (formerly Invitae), Labcorp
Classification: Uncertain significance for Hypokalemic periodic paralysis, type 1; Malignant hyperthermia, susceptibility to, 5. Last evaluated: 2022-10-04. Review status: criteria provided, single submitter. Criteria: Invitae Variant Classification Sherloc (09022015). Collection method: clinical testing. Allele origin: germline.
Comment: This sequence change replaces glutamine, which is neutral and polar, with lysine, which is basic and polar, at codon 1554 of the CACNA1S protein (p.Gln1554Lys). In summary, the available evidence is currently insufficient to determine the role of this variant in disease. Therefore, it has been classified as a Variant of Uncertain Significance. Advanced modeling of protein sequence and biophysical properties (such as structural, functional, and spatial information, amino acid conservation, physicochemical variation, residue mobility, and thermodynamic stability) performed at Invitae indicates that this missense variant is not expected to disrupt CACNA1S protein function. ClinVar contains an entry for this variant (Variation ID: 840723). This variant has not been reported in the literature in individuals affected with CACNA1S-related conditions. This variant is not present in population databases (gnomAD no frequency).